The following is an entry in ClinVar:

NM_001394998.1(TANC2):c.2988G>A (p.Leu996=)

Genes: TANC2 (tetratricopeptide repeat, ankyrin repeat and coiled-coil containing 2; plus strand), LOC105371856 (uncharacterized LOC105371856; minus strand). Cytogenetic location: 17q23.3.
Variant type: single nucleotide variant.
Coding change: c.2988G>A on transcript NM_001394998.1 (MANE Select); coding-DNA position 2988, G replaced by A.
Protein change: p.Leu996=; no amino-acid change (leucine 996 retained).
Molecular consequence: synonymous variant.
Genome position (GRCh38, 1-based): chr17:63,389,481, G>A. VCF-style: chr17-63389481-G-A. GRCh37 (hg19) VCF-style: chr17-61466842-G-A.
Other names: c.2766G>A, p.Leu922= (NM_001411076.1, NM_025185.4).
Identifiers: ClinVar variation 4534138 (VCV004534138.6).

ClinVar aggregate classification (germline): Likely benign (1 of 4 stars; one submission).

gnomAD v4.1: 209 of 1,613,624 alleles (0.013%); highest among the groups gnomAD compares: South Asian, 0.21%; no homozygotes.

Submission:

CeGaT Center for Human Genetics Tuebingen
Classification: Likely benign. Last evaluated: 2025-11-01. Review status: criteria provided, single submitter. Criteria: CeGaT Center For Human Genetics Tuebingen Variant Classification Criteria Version 2. Collection method: clinical testing. Allele origin: germline. Affected: yes. Observed: 1 variant allele.
Comment: TANC2: BP4, BP7, BS1